The following is an entry in ClinVar:

ClinVar aggregate classification (germline): Uncertain significance (1 of 4 stars; one submission).

gnomAD v4.1: 3 of 1,211,680 alleles (0.00025%); highest among the groups gnomAD compares: Non-Finnish European, 0.00034%; no homozygotes.

Submission:

GeneDx
Classification: Uncertain significance. Last evaluated: 2026-02-26. Review status: criteria provided, single submitter. Criteria: GeneDx Variant Classification Process June 2021. Collection method: clinical testing. Allele origin: germline.
Comment: Not observed at significant frequency in large population cohorts (gnomAD); In silico analysis supports that this missense variant has a deleterious effect on protein structure/function; Has not been previously published as pathogenic or benign to our knowledge

NM_001195553.2(DCX):c.361G>A (p.Glu121Lys)

Gene: DCX (doublecortin; minus strand). Cytogenetic location: Xq23.
Variant type: single nucleotide variant.
Coding change: c.361G>A on transcript NM_001195553.2 (MANE Select); coding-DNA position 361, G replaced by A.
Protein change: p.Glu121Lys; replaces glutamic acid 121 with lysine.
Molecular consequence: missense variant.
Genome position (GRCh38, 1-based): chrX:111,410,038, C>T on the plus strand (G>A on the coding strand, the complement: DCX is on the minus strand). VCF-style: chrX-111410038-C-T. GRCh37 (hg19) VCF-style: chrX-110653266-C-T.
Other names: c.604G>A, p.Glu202Lys (NM_000555.3); c.361G>A, p.Glu121Lys (NM_001369370.1, NM_001369371.1, NM_001369372.1 and 6 more transcripts); short protein forms E121K, E202K.
Identifiers: ClinVar variation 5008821 (VCV005008821.1).